The following is an entry in ClinVar:

ClinVar aggregate classification (germline): Uncertain significance (1 of 4 stars; one submission).

gnomAD v4.1: 4 of 1,614,180 alleles (0.00025%); highest among the groups gnomAD compares: South Asian, 0.0033%; no homozygotes.

Submission:

Labcorp Genetics (formerly Invitae), Labcorp
Classification: Uncertain significance. Last evaluated: 2022-08-09. Review status: criteria provided, single submitter. Criteria: Invitae Variant Classification Sherloc (09022015). Collection method: clinical testing. Allele origin: germline.
Comment: This variant has not been reported in the literature in individuals affected with IMPG1-related conditions. Algorithms developed to predict the effect of missense changes on protein structure and function are either unavailable or do not agree on the potential impact of this missense change (SIFT: "Deleterious"; PolyPhen-2: "Probably Damaging"; Align-GVGD: "Class C0"). In summary, the available evidence is currently insufficient to determine the role of this variant in disease. Therefore, it has been classified as a Variant of Uncertain Significance. This variant is present in population databases (rs199512173, gnomAD 0.003%). This sequence change replaces isoleucine, which is neutral and non-polar, with phenylalanine, which is neutral and non-polar, at codon 140 of the IMPG1 protein (p.Ile140Phe).

NM_001563.4(IMPG1):c.418A>T (p.Ile140Phe)

Gene: IMPG1 (interphotoreceptor matrix proteoglycan 1; minus strand). Cytogenetic location: 6q14.1.
Variant type: single nucleotide variant.
Coding change: c.418A>T on transcript NM_001563.4 (MANE Select); coding-DNA position 418, A replaced by T.
Protein change: p.Ile140Phe; replaces isoleucine 140 with phenylalanine.
Molecular consequence: missense variant.
Genome position (GRCh38, 1-based): chr6:76,034,671, T>A on the plus strand (A>T on the coding strand, the complement: IMPG1 is on the minus strand). VCF-style: chr6-76034671-T-A. GRCh37 (hg19) VCF-style: chr6-76744388-T-A.
Other names: c.184A>T, p.Ile62Phe (NM_001282368.2); short protein forms I62F, I140F.
Identifiers: ClinVar variation 2061011 (VCV002061011.4), dbSNP rs199512173, ClinGen allele CA3898541.